The following is an entry in ClinVar:

NM_173477.5(USH1G):c.965T>G (p.Leu322Trp)

Gene: USH1G (USH1 protein network component sans; minus strand). Cytogenetic location: 17q25.1.
Variant type: single nucleotide variant.
Coding change: c.965T>G on transcript NM_173477.5 (MANE Select); coding-DNA position 965, T replaced by G.
Protein change: p.Leu322Trp; replaces leucine 322 with tryptophan.
Molecular consequence: missense variant.
Genome position (GRCh38, 1-based): chr17:74,919,871, A>C on the plus strand (T>G on the coding strand, the complement: USH1G is on the minus strand). VCF-style: chr17-74919871-A-C. GRCh37 (hg19) VCF-style: chr17-72915966-A-C.
Other names: c.656T>G, p.Leu219Trp (NM_001282489.3); short protein forms L322W, L219W.
Identifiers: ClinVar variation 1444471 (VCV001444471.6), dbSNP rs2144753179, ClinGen allele CA400962257.
Genomic context (GRCh38, chr17:74,919,871, plus strand): 5'-GGCGCTCCCACCCCATCCAGACCCCCATCCTCGCGGCCCAGTCCGTGCAGCCCACTGCTC[A>C]AGTAATTTCTGCGGAACACCATGGTGCCCAGGCCGGGGCGGGTAAACAGGGAGTCGTGGC-3'
Protein context (NP_775748.2, residues 312-332): LGTMVFRRNY[Leu322Trp]SSGLHGLGRE

ClinVar aggregate classification (germline): Uncertain significance (1 of 4 stars; one submission).

Submission:

Labcorp Genetics (formerly Invitae), Labcorp
Classification: Uncertain significance. Last evaluated: 2021-09-09. Review status: criteria provided, single submitter. Criteria: Invitae Variant Classification Sherloc (09022015). Collection method: clinical testing. Allele origin: germline.
Comment: This variant has not been reported in the literature in individuals affected with USH1G-related conditions. This variant is not present in population databases (ExAC no frequency). This sequence change replaces leucine with tryptophan at codon 322 of the USH1G protein (p.Leu322Trp). The leucine residue is weakly conserved and there is a small physicochemical difference between leucine and tryptophan. Algorithms developed to predict the effect of missense changes on protein structure and function are either unavailable or do not agree on the potential impact of this missense change (SIFT: "Not Available"; PolyPhen-2: "Possibly Damaging"; Align-GVGD: "Not Available"). In summary, the available evidence is currently insufficient to determine the role of this variant in disease. Therefore, it has been classified as a Variant of Uncertain Significance.